The following is an entry in ClinVar:

NM_001023570.4(IQCB1):c.215G>A (p.Arg72Gln)

Gene: IQCB1 (IQ motif containing B1; minus strand). Cytogenetic location: 3q13.33.
Variant type: single nucleotide variant.
Coding change: c.215G>A on transcript NM_001023570.4 (MANE Select); coding-DNA position 215, G replaced by A.
Protein change: p.Arg72Gln; replaces arginine 72 with glutamine.
Molecular consequence: missense variant. On other transcripts: non-coding transcript variant (1).
Genome position (GRCh38, 1-based): chr3:121,828,518, C>T on the plus strand (G>A on the coding strand, the complement: IQCB1 is on the minus strand). VCF-style: chr3-121828518-C-T. GRCh37 (hg19) VCF-style: chr3-121547365-C-T.
Other names: c.215G>A, p.Arg72Gln (NM_001023571.4, NM_001319107.2); short protein forms R72Q.
Identifiers: ClinVar variation 1376349 (VCV001376349.7), dbSNP rs777328728, ClinGen allele CA2567497.
Genomic context (GRCh38, chr3:121,828,518, plus strand): 5'-GCTTTATTTTACCTTAATATCTGTGTAAGCTGGGAAATTGTAGTCCAACCACCCTGGATT[C>T]GAGAATAATCTTGACTGAGGACCAAGAGGCAATATTGAATGAGATCATAACAATATATAT-3'
Protein context (NP_001018864.2, residues 62-82): CLLVLSQDYS[Arg72Gln]IQGGWTTISQ

ClinVar aggregate classification (germline): Uncertain significance. Review status: criteria provided, multiple submitters, no conflicts (2 of 4 stars). 2 submissions from 2 submitters: Uncertain significance (2). Last evaluated 2024-10-25.

Conditions:
Nephronophthisis. Also called: Juvenile Nephronophthisis. Identifiers: Orphanet 655, MedGen C0687120, MONDO:0019005, HP:0000090.

Allele frequency attached by ClinVar (database versions not stated): ExAC 0.00001; gnomAD 0.00001; gnomAD exomes 0.00001; TOPMed 0.00002.

Submissions (2):

Labcorp Genetics (formerly Invitae), Labcorp
Classification: Uncertain significance for Nephronophthisis. Last evaluated: 2024-10-25. Review status: criteria provided, single submitter. Criteria: Invitae Variant Classification Sherloc (09022015). Collection method: clinical testing. Allele origin: germline.
Comment: This sequence change replaces arginine, which is basic and polar, with glutamine, which is neutral and polar, at codon 72 of the IQCB1 protein (p.Arg72Gln). This variant is present in population databases (rs777328728, gnomAD 0.003%). This variant has not been reported in the literature in individuals affected with IQCB1-related conditions. ClinVar contains an entry for this variant (Variation ID: 1376349). Invitae Evidence Modeling of protein sequence and biophysical properties (such as structural, functional, and spatial information, amino acid conservation, physicochemical variation, residue mobility, and thermodynamic stability) indicates that this missense variant is not expected to disrupt IQCB1 protein function with a negative predictive value of 80%. Algorithms developed to predict the effect of sequence changes on RNA splicing suggest that this variant may disrupt the consensus splice site. In summary, the available evidence is currently insufficient to determine the role of this variant in disease. Therefore, it has been classified as a Variant of Uncertain Significance.

Blueprint Genetics
Classification: Uncertain significance. Last evaluated: 2019-09-27. Review status: criteria provided, single submitter. Criteria: ACMG Guidelines, 2015. Collection method: clinical testing. Allele origin: germline.